The following is an entry in ClinVar:

ClinVar aggregate classification (germline): Uncertain significance (1 of 4 stars; one submission).

Conditions:
Muscular dystrophy-dystroglycanopathy type B6 (MDDGB6). Also called: MUSCULAR DYSTROPHY-DYSTROGLYCANOPATHY (CONGENITAL WITH IMPAIRED INTELLECTUAL DEVELOPMENT), TYPE B, 6; MUSCULAR DYSTROPHY, CONGENITAL, LARGE-RELATED; MUSCULAR DYSTROPHY, CONGENITAL, TYPE 1D. Identifiers: MedGen C1837229, MONDO:0012138, OMIM 608840.

Allele frequency attached by ClinVar (database versions not stated): gnomAD exomes 0.00001.
gnomAD v4.1: 11 of 1,614,066 alleles (0.00068%); highest among the groups gnomAD compares: East Asian, 0.0022%; no homozygotes.

Submission:

Labcorp Genetics (formerly Invitae), Labcorp
Classification: Uncertain significance for Muscular dystrophy-dystroglycanopathy type B6. Last evaluated: 2017-06-05. Review status: criteria provided, single submitter. Criteria: Invitae Variant Classification Sherloc (09022015). Collection method: clinical testing. Allele origin: germline.
Comment: This sequence change replaces alanine with threonine at codon 193 of the LARGE11 protein (p.Ala193Thr). The alanine residue is moderately conserved and there is a small physicochemical difference between alanine and threonine. This variant is not present in population databases (ExAC no frequency). This variant has not been reported in the literature in individuals with a LARGE11-related disease. Algorithms developed to predict the effect of missense changes on protein structure and function do not agree on the potential impact of this missense change (SIFT: "Tolerated"; PolyPhen-2: "Possibly Damaging"; Align-GVGD: "Class C0"). In summary, this variant has uncertain impact on LARGE11 function. The available evidence is currently insufficient to determine its role in disease. Therefore, it has been classified as a Variant of Uncertain Significance.

NM_133642.5(LARGE1):c.577G>A (p.Ala193Thr)

Gene: LARGE1 (LARGE xylosyl- and glucuronyltransferase 1; minus strand). Cytogenetic location: 22q12.3.
Variant type: single nucleotide variant.
Coding change: c.577G>A on transcript NM_133642.5 (MANE Select); coding-DNA position 577, G replaced by A.
Protein change: p.Ala193Thr; replaces alanine 193 with threonine.
Molecular consequence: missense variant.
Genome position (GRCh38, 1-based): chr22:33,604,473, C>T on the plus strand (G>A on the coding strand, the complement: LARGE1 is on the minus strand). VCF-style: chr22-33604473-C-T. GRCh37 (hg19) VCF-style: chr22-34000459-C-T.
Other names: c.577G>A, p.Ala193Thr (NM_001362949.2, NM_001362951.2, NM_001362953.2 and 7 more transcripts); short protein forms A193T.
Identifiers: ClinVar variation 464477 (VCV000464477.1), dbSNP rs1349882228, ClinGen allele CA411546707.
Genomic context (GRCh38, chr22:33,604,473, plus strand): 5'-GTGCCTCCCCTCCTGCCCATACCTTGAGCTCGTCTGCATTGTAGAAGTCCACACGCACAG[C>T]GGGCACCATCCAGGTCTGGAAGAGCGTGGCCAGGATCTGCTCCGCAATGGAGTCAGCAAT-3'
Protein context (NP_598397.1, residues 183-203): ATLFQTWMVP[Ala193Thr]VRVDFYNADE